The following is an entry in ClinVar:

NM_001355436.2(SPTB):c.1577C>T (p.Thr526Ile)

Gene: SPTB (spectrin beta, erythrocytic; minus strand). Cytogenetic location: 14q23.3.
Variant type: single nucleotide variant.
Coding change: c.1577C>T on transcript NM_001355436.2 (MANE Select); coding-DNA position 1577, C replaced by T.
Protein change: p.Thr526Ile; replaces threonine 526 with isoleucine.
Molecular consequence: missense variant.
Genome position (GRCh38, 1-based): chr14:64,795,404, G>A on the plus strand (C>T on the coding strand, the complement: SPTB is on the minus strand). VCF-style: chr14-64795404-G-A. GRCh37 (hg19) VCF-style: chr14-65262122-G-A.
Other names: p.Thr526Ile; c.1577C>T, p.Thr526Ile (NM_001024858.4, NM_001355437.2); c.1577C>T (NM_001024858.2); short protein forms T526I.
Identifiers: ClinVar variation 313762 (VCV000313762.12), dbSNP rs145315673, ClinGen allele CA7231079.

ClinVar aggregate classification (germline): Conflicting classifications of pathogenicity. Review status: criteria provided, conflicting classifications (1 of 4 stars). 5 submissions from 5 submitters: Uncertain significance (3); Benign (1). 1 of the submissions does not count toward it. Last evaluated 2025-08-18.

Conditions:
SPTB-related disorder. Also called: SPTB-Related Disorders; SPTB-related condition.
Inborn genetic diseases. Identifiers: MedGen C0950123, MeSH D030342.

Allele frequency attached by ClinVar (database versions not stated): gnomAD 0.00025 and 0.00027; TOPMed 0.00031; ExAC 0.00035; gnomAD exomes 0.00037; ESP Exome Variant Server 0.00046.
gnomAD v4.1: 410 of 1,613,974 alleles (0.025%); highest among the groups gnomAD compares: Middle Eastern, 0.13%; 1 homozygote.

Submissions (5):

Labcorp Genetics (formerly Invitae), Labcorp
Classification: Benign. Last evaluated: 2025-08-18. Review status: criteria provided, single submitter. Criteria: Invitae Variant Classification Sherloc (09022015). Collection method: clinical testing. Allele origin: germline.

Mayo Clinic Laboratories, Mayo Clinic
Classification: Uncertain significance. Last evaluated: 2025-07-03. Review status: criteria provided, single submitter. Criteria: ACMG Guidelines, 2015. Collection method: clinical testing. Allele origin: germline. Observed: 1 variant allele.
Comment: BP4_moderate

Ambry Genetics
Classification: Uncertain significance for Inborn genetic diseases. Last evaluated: 2022-03-23. Review status: criteria provided, single submitter. Criteria: Ambry Variant Classification Scheme 2023. Collection method: clinical testing. Allele origin: germline.

Breakthrough Genomics
Classification: Uncertain significance. Review status: criteria provided, single submitter. Criteria: ACMG Guidelines, 2015. Collection method: not provided. Allele origin: germline. Inheritance: Autosomal dominant inheritance. Affected: yes.

PreventionGenetics, part of Exact Sciences
Classification: Likely benign for SPTB-related condition. Last evaluated: 2021-12-31. Review status: no assertion criteria provided. Collection method: clinical testing. Allele origin: germline. Not counted in ClinVar's aggregate classification.
Comment: This variant is classified as likely benign based on ACMG/AMP sequence variant interpretation guidelines (Richards et al. 2015 PMID: 25741868, with internal and published modifications).